The following is an entry in ClinVar:

NM_020549.5(CHAT):c.782G>A (p.Gly261Asp)

Gene: CHAT (choline O-acetyltransferase; plus strand). Cytogenetic location: 10q11.23.
Variant type: single nucleotide variant.
Coding change: c.782G>A on transcript NM_020549.5 (MANE Select); coding-DNA position 782, G replaced by A.
Protein change: p.Gly261Asp; replaces glycine 261 with aspartic acid.
Molecular consequence: missense variant.
Genome position (GRCh38, 1-based): chr10:49,625,502, G>A. VCF-style: chr10-49625502-G-A. GRCh37 (hg19) VCF-style: chr10-50833548-G-A.
Other names: c.428G>A, p.Gly143Asp (NM_001142929.2, NM_001142934.2, NM_020984.4 and 2 more transcripts); c.536G>A, p.Gly179Asp (NM_001142933.2); short protein forms G179D, G261D, G143D.
Identifiers: ClinVar variation 1463813 (VCV001463813.8), dbSNP rs2132728015, ClinGen allele CA376729671.

ClinVar aggregate classification (germline): Uncertain significance (1 of 4 stars; one submission).

Conditions:
Familial infantile myasthenia (CMS6). Also called: MYASTHENIC SYNDROME, CONGENITAL, 6, PRESYNAPTIC; Congenital myasthenic syndrome type 6; MYASTHENIC SYNDROME, PRESYNAPTIC, CONGENITAL, ASSOCIATED WITH EPISODIC APNEA. Identifiers: Orphanet 590, MedGen C0393929, MONDO:0009689, OMIM 254210.

Submission:

Labcorp Genetics (formerly Invitae), Labcorp
Classification: Uncertain significance for Familial infantile myasthenia. Last evaluated: 2022-08-16. Review status: criteria provided, single submitter. Criteria: Invitae Variant Classification Sherloc (09022015). Collection method: clinical testing. Allele origin: germline.
Comment: This variant has not been reported in the literature in individuals affected with CHAT-related conditions. ClinVar contains an entry for this variant (Variation ID: 1463813). Advanced modeling of protein sequence and biophysical properties (such as structural, functional, and spatial information, amino acid conservation, physicochemical variation, residue mobility, and thermodynamic stability) performed at Invitae indicates that this missense variant is not expected to disrupt CHAT protein function. In summary, the available evidence is currently insufficient to determine the role of this variant in disease. Therefore, it has been classified as a Variant of Uncertain Significance. This variant is not present in population databases (gnomAD no frequency). This sequence change replaces glycine, which is neutral and non-polar, with aspartic acid, which is acidic and polar, at codon 261 of the CHAT protein (p.Gly261Asp).